The following is an entry in ClinVar:

NM_014874.4(MFN2):c.808A>T (p.Met270Leu)

Gene: MFN2 (mitofusin 2; plus strand). Cytogenetic location: 1p36.22.
Variant type: single nucleotide variant.
Coding change: c.808A>T on transcript NM_014874.4 (MANE Select); coding-DNA position 808, A replaced by T.
Protein change: p.Met270Leu; replaces methionine 270 with leucine.
Molecular consequence: missense variant.
Genome position (GRCh38, 1-based): chr1:11,999,087, A>T. VCF-style: chr1-11999087-A-T. GRCh37 (hg19) VCF-style: chr1-12059144-A-T.
Other names: c.808A>T, p.Met270Leu (NM_001127660.2); short protein forms M270L.
Identifiers: ClinVar variation 1368947 (VCV001368947.8), dbSNP rs748318825, ClinGen allele CA598920.

ClinVar aggregate classification (germline): Uncertain significance (1 of 4 stars; one submission).

Conditions:
Charcot-Marie-Tooth disease type 2. Also called: Charcot-Marie-Tooth type 2. Identifiers: Orphanet 64746, MedGen C0270914, MONDO:0018993.

Allele frequency attached by ClinVar (database versions not stated): ExAC 0.00001.
gnomAD v4.1: 1 of 1,614,140 alleles (0.000062%); highest among the groups gnomAD compares: Non-Finnish European, 0.000085%; no homozygotes.

Submission:

Labcorp Genetics (formerly Invitae), Labcorp
Classification: Uncertain significance for Charcot-Marie-Tooth disease type 2. Last evaluated: 2021-07-21. Review status: criteria provided, single submitter. Criteria: Invitae Variant Classification Sherloc (09022015). Collection method: clinical testing. Allele origin: germline.
Comment: This sequence change replaces methionine with leucine at codon 270 of the MFN2 protein (p.Met270Leu). The methionine residue is highly conserved and there is a small physicochemical difference between methionine and leucine. This variant is present in population databases (rs748318825, ExAC 0.001%). This variant has not been reported in the literature in individuals affected with MFN2-related conditions. Advanced modeling of protein sequence and biophysical properties (such as structural, functional, and spatial information, amino acid conservation, physicochemical variation, residue mobility, and thermodynamic stability) performed at Invitae indicates that this missense variant is not expected to disrupt MFN2 protein function. In summary, the available evidence is currently insufficient to determine the role of this variant in disease. Therefore, it has been classified as a Variant of Uncertain Significance.